The following is an entry in ClinVar:

NM_002772.3(TMPRSS15):c.2054C>T (p.Thr685Met)

Gene: TMPRSS15 (transmembrane serine protease 15; minus strand). Cytogenetic location: 21q21.1.
Variant type: single nucleotide variant.
Coding change: c.2054C>T on transcript NM_002772.3 (MANE Select); coding-DNA position 2054, C replaced by T.
Protein change: p.Thr685Met; replaces threonine 685 with methionine.
Molecular consequence: missense variant.
Genome position (GRCh38, 1-based): chr21:18,313,056, G>A on the plus strand (C>T on the coding strand, the complement: TMPRSS15 is on the minus strand). VCF-style: chr21-18313056-G-A. GRCh37 (hg19) VCF-style: chr21-19685373-G-A.
Other names: c.2054C>T (NM_002772.2); short protein forms T685M.
Identifiers: ClinVar variation 2073491 (VCV002073491.3), dbSNP rs750285967, ClinGen allele CA9984203.

ClinVar aggregate classification (germline): Conflicting classifications of pathogenicity. Review status: criteria provided, conflicting classifications (1 of 4 stars). 2 submissions from 2 submitters: Uncertain significance (1); Likely benign (1). Last evaluated 2025-04-28.

Allele frequency attached by ClinVar (database versions not stated): TOPMed 0.00005; ExAC 0.00011.
gnomAD v4.1: 62 of 1,613,638 alleles (0.0038%); highest among the groups gnomAD compares: East Asian, 0.047%; 1 homozygote.

Submissions (2):

Ambry Genetics
Classification: Likely benign. Last evaluated: 2025-04-28. Review status: criteria provided, single submitter. Criteria: Ambry Variant Classification Scheme 2023. Collection method: clinical testing. Allele origin: germline.

Labcorp Genetics (formerly Invitae), Labcorp
Classification: Uncertain significance. Last evaluated: 2025-01-23. Review status: criteria provided, single submitter. Criteria: Invitae Variant Classification Sherloc (09022015). Collection method: clinical testing. Allele origin: germline.
Comment: This sequence change replaces threonine, which is neutral and polar, with methionine, which is neutral and non-polar, at codon 685 of the TMPRSS15 protein (p.Thr685Met). This variant is present in population databases (rs750285967, gnomAD 0.1%). This variant has not been reported in the literature in individuals affected with TMPRSS15-related conditions. ClinVar contains an entry for this variant (Variation ID: 2073491). An algorithm developed to predict the effect of missense changes on protein structure and function outputs the following: PolyPhen-2: "Benign". The methionine amino acid residue is found in multiple mammalian species, which suggests that this missense change does not adversely affect protein function. In summary, the available evidence is currently insufficient to determine the role of this variant in disease. Therefore, it has been classified as a Variant of Uncertain Significance.